The following is an entry in ClinVar:

ClinVar aggregate classification (germline): Uncertain significance. Review status: criteria provided, multiple submitters, no conflicts (2 of 4 stars). 2 submissions from 2 submitters: Uncertain significance (2). Last evaluated 2025-05-17.

Conditions:
Hereditary cancer-predisposing syndrome. Also called: Hereditary neoplastic syndrome; Neoplastic Syndromes, Hereditary; Hereditary Cancer Syndrome; Tumor predisposition. Identifiers: Orphanet 140162, MedGen C0027672, MeSH D009386, MONDO:0015356.
Fanconi anemia complementation group J. Also called: BRIP1-Related Fanconi Anemia. Identifiers: Orphanet 84, MedGen C1836860, MONDO:0012187, OMIM 609054.
Familial cancer of breast. Also called: BREAST CANCER, FAMILIAL; hereditary breast carcinoma; Hereditary breast cancer. Identifiers: Orphanet 227535, MedGen C0346153, MONDO:0016419, OMIM 114480. Disease mechanism: loss of function.

Allele frequency attached by ClinVar (database versions not stated): gnomAD exomes below 0.00001 and 0.00001; ExAC 0.00001.
gnomAD v4.1: 9 of 1,613,774 alleles (0.00056%); highest among the groups gnomAD compares: Non-Finnish European, 0.00076%; no homozygotes.

Submissions (2):

Ambry Genetics
Classification: Uncertain significance for Hereditary cancer-predisposing syndrome. Last evaluated: 2025-05-17. Review status: criteria provided, single submitter. Criteria: Ambry Variant Classification Scheme 2023. Collection method: clinical testing. Allele origin: germline.
Comment: The p.T232S variant (also known as c.695C>G), located in coding exon 6 of the BRIP1 gene, results from a C to G substitution at nucleotide position 695. The threonine at codon 232 is replaced by serine, an amino acid with similar properties. This amino acid position is conserved. In addition, this alteration is predicted to be tolerated by in silico analysis. Based on the available evidence, the clinical significance of this variant remains unclear.

Labcorp Genetics (formerly Invitae), Labcorp
Classification: Uncertain significance for Familial cancer of breast; Fanconi anemia complementation group J. Last evaluated: 2018-05-30. Review status: criteria provided, single submitter. Criteria: Invitae Variant Classification Sherloc (09022015). Collection method: clinical testing. Allele origin: germline.
Comment: In summary, the available evidence is currently insufficient to determine the role of this variant in disease. Therefore, it has been classified as a Variant of Uncertain Significance. Algorithms developed to predict the effect of missense changes on protein structure and function (SIFT, PolyPhen-2, Align-GVGD) all suggest that this variant is likely to be tolerated, but these predictions have not been confirmed by published functional studies and their clinical significance is uncertain. This variant has not been reported in the literature in individuals with BRIP1-related disease. This variant is present in population databases (rs762781085, ExAC 0.001%). This sequence change replaces threonine with serine at codon 232 of the BRIP1 protein (p.Thr232Ser). The threonine residue is moderately conserved and there is a small physicochemical difference between threonine and serine.

NM_032043.3(BRIP1):c.695C>G (p.Thr232Ser)

Gene: BRIP1 (BRCA1 interacting DNA helicase 1; minus strand). Cytogenetic location: 17q23.2.
Variant type: single nucleotide variant.
Coding change: c.695C>G on transcript NM_032043.3 (MANE Select); coding-DNA position 695, C replaced by G.
Protein change: p.Thr232Ser; replaces threonine 232 with serine.
Molecular consequence: missense variant.
Genome position (GRCh38, 1-based): chr17:61,808,690, G>C on the plus strand (C>G on the coding strand, the complement: BRIP1 is on the minus strand). VCF-style: chr17-61808690-G-C. GRCh37 (hg19) VCF-style: chr17-59886051-G-C.
Other names: short protein forms T232S.
Identifiers: ClinVar variation 569276 (VCV000569276.10), dbSNP rs762781085, ClinGen allele CA8690859.